The following is an entry in ClinVar:

ClinVar aggregate classification (germline): Likely benign (1 of 4 stars; one submission).

Allele frequency attached by ClinVar (database versions not stated): gnomAD exomes 0.00008; TOPMed 0.00012; gnomAD 0.00013; ExAC 0.00027; 1000 Genomes Project 0.00120; 1000 Genomes Project 30x 0.00141.
gnomAD v4.1: 124 of 1,595,610 alleles (0.0078%); highest among the groups gnomAD compares: East Asian, 0.27%; no homozygotes.

Submission:

CeGaT Center for Human Genetics Tuebingen
Classification: Likely benign. Last evaluated: 2022-08-01. Review status: criteria provided, single submitter. Criteria: CeGaT Center For Human Genetics Tuebingen Variant Classification Criteria Version 2. Collection method: clinical testing. Allele origin: germline. Affected: yes. Observed: 1 variant allele.
Comment: RPS2: BP4, BP7

NM_002952.4(RPS2):c.111T>C (p.Gly37=)

Gene: RPS2 (ribosomal protein S2; minus strand). Cytogenetic location: 16p13.3.
Variant type: single nucleotide variant.
Coding change: c.111T>C on transcript NM_002952.4 (MANE Select); coding-DNA position 111, T replaced by C.
Protein change: p.Gly37=; no amino-acid change (glycine 37 retained).
Molecular consequence: synonymous variant.
Genome position (GRCh38, 1-based): chr16:1,964,515, A>G on the plus strand (T>C on the coding strand, the complement: RPS2 is on the minus strand). VCF-style: chr16-1964515-A-G. GRCh37 (hg19) VCF-style: chr16-2014516-A-G.
Identifiers: ClinVar variation 2645954 (VCV002645954.24), dbSNP rs200457877, ClinGen allele CA7823877.